The following is an entry in ClinVar:

ClinVar aggregate classification (germline): Benign (1 of 4 stars; one submission).

Allele frequency attached by ClinVar (database versions not stated): 1000 Genomes Project 0.04732; 1000 Genomes Project 30x 0.04950; gnomAD 0.05083 and 0.05355; TOPMed 0.05724.
gnomAD v4.1: 7,795 of 152,122 alleles (5.1%); highest among the groups gnomAD compares: African/African-American, 10%; 256 homozygotes.

Submission:

GeneDx
Classification: Benign. Last evaluated: 2018-06-14. Review status: criteria provided, single submitter. Criteria: GeneDx Variant Classification (06012015). Collection method: clinical testing. Allele origin: germline. Affected: yes.
Comment: This variant is considered likely benign or benign based on one or more of the following criteria: it is a conservative change, it occurs at a poorly conserved position in the protein, it is predicted to be benign by multiple in silico algorithms, and/or has population frequency not consistent with disease.

NM_020297.4(ABCC9):c.143-301A>G

Gene: ABCC9 (ATP binding cassette subfamily C member 9; minus strand). Cytogenetic location: 12p12.1.
Variant type: single nucleotide variant.
Coding change: c.143-301A>G on transcript NM_020297.4 (MANE Select); 301 bases into the intron before coding-DNA position 143, A replaced by G.
Molecular consequence: intron variant.
Genome position (GRCh38, 1-based): chr12:21,934,224, T>C on the plus strand (A>G on the coding strand, the complement: ABCC9 is on the minus strand). VCF-style: chr12-21934224-T-C. GRCh37 (hg19) VCF-style: chr12-22087158-T-C.
Other names: c.-312-301A>G (NM_001377274.1); c.143-301A>G (NM_005691.4, NM_001377273.1).
Identifiers: ClinVar variation 681255 (VCV000681255.1), dbSNP rs74067890, ClinGen allele CA233625521.